The following is an entry in ClinVar:

NM_032444.4(SLX4):c.4381_4391del (p.Ala1461fs)

Gene: SLX4 (SLX4 structure-specific endonuclease subunit; minus strand). Cytogenetic location: 16p13.3.
Variant type: Deletion.
Coding change: c.4381_4391del on transcript NM_032444.4 (MANE Select); coding-DNA positions 4381 to 4391, 11 bases deleted (GCCGCCGACAG).
Protein change: p.Ala1461fs; shifts the reading frame from alanine 1461.
Molecular consequence: frameshift variant.
Genome position (GRCh38, 1-based): chr16:3,589,247-3,589,257, CTGTCGGCGGC deleted on the plus strand (GCCGCCGACAG on the coding strand, the reverse complement: SLX4 is on the minus strand); deleting any 11 consecutive bases within chr16:3,589,247-3,589,259 gives the same sequence; the c. name uses the placement nearest the transcript's 3' end. VCF-style (leftmost placement, unchanged base first): chr16-3589246-GCTGTCGGCGGC-G. GRCh37 (hg19) VCF-style: chr16-3639247-GCTGTCGGCGGC-G.
Other names: c.4381_4391del11 (NM_032444.3); short protein forms A1461fs.
Identifiers: ClinVar variation 1073979 (VCV001073979.6), dbSNP rs751653739, ClinGen allele CA7865659.

ClinVar aggregate classification (germline): Pathogenic/Likely pathogenic. Review status: criteria provided, multiple submitters, no conflicts (2 of 4 stars). 2 submissions from 2 submitters: Pathogenic (1); Likely pathogenic (1). Last evaluated 2026-03-19.

Conditions:
Fanconi anemia (FA). Also called: Fanconi's anemia. Identifiers: Orphanet 84, MedGen C0015625, MeSH D005199, MONDO:0019391.
SLX4-related disorder. Also called: SLX4-related condition.

Submissions (2):

PreventionGenetics, part of Exact Sciences
Classification: Likely pathogenic for SLX4-related condition. Last evaluated: 2026-03-19. Review status: criteria provided, single submitter. Criteria: ACMG Guidelines, 2015. Collection method: clinical testing. Allele origin: germline.
Comment: The SLX4 c.4381_4391del11 variant is predicted to result in a frameshift and premature protein termination (p.Ala1461Profs*2). This variant has been reported in an individual with rhabdomyosarcoma (Table S2, reported as chr16:3639247, Kim et al. 2021. PubMed ID: 34308104). This variant is reported in 0.00089% of alleles in individuals of European (Non-Finnish) descent in gnomAD. Frameshift variants in SLX4 are expected to be pathogenic. This variant is interpreted as likely pathogenic.

Labcorp Genetics (formerly Invitae), Labcorp
Classification: Pathogenic for Fanconi anemia. Last evaluated: 2023-11-28. Review status: criteria provided, single submitter. Criteria: Invitae Variant Classification Sherloc (09022015). Collection method: clinical testing. Allele origin: germline.
Comment: This sequence change creates a premature translational stop signal (p.Ala1461Profs*2) in the SLX4 gene. It is expected to result in an absent or disrupted protein product. Loss-of-function variants in SLX4 are known to be pathogenic (PMID: 21240277). This variant is present in population databases (rs751653739, gnomAD 0.0009%). This variant has not been reported in the literature in individuals affected with SLX4-related conditions. ClinVar contains an entry for this variant (Variation ID: 1073979). For these reasons, this variant has been classified as Pathogenic.

Literature cited by the submitters: PubMed 21240277 (cited by Labcorp Genetics (formerly Invitae), Labcorp).